The following is an entry in ClinVar:

NM_006005.3(WFS1):c.2299A>C (p.Ile767Leu)

Gene: WFS1 (wolframin ER transmembrane glycoprotein; plus strand). Cytogenetic location: 4p16.1.
Variant type: single nucleotide variant.
Coding change: c.2299A>C on transcript NM_006005.3 (MANE Select); coding-DNA position 2299, A replaced by C.
Protein change: p.Ile767Leu; replaces isoleucine 767 with leucine.
Molecular consequence: missense variant.
Genome position (GRCh38, 1-based): chr4:6,302,094, A>C. VCF-style: chr4-6302094-A-C. GRCh37 (hg19) VCF-style: chr4-6303821-A-C.
Other names: c.2299A>C, p.Ile767Leu (NM_001145853.1); short protein forms I767L.
Identifiers: ClinVar variation 929934 (VCV000929934.15), dbSNP rs779199009, ClinGen allele CA2839679.
Genomic context (GRCh38, chr4:6,302,094, plus strand): 5'-ACCTCCACGGCCGAGGAGGAGCTCTGTCGCCTTAAGCTGCTGGCCAAGCACCCCTGCCAC[A>C]TCAAGAAGTTCGACCGCTACAAGTTTGAGATTACCGTGGGCATGCCATTCAGCAGCGGCG-3'
Protein context (NP_005996.2, residues 757-777): LKLLAKHPCH[Ile767Leu]KKFDRYKFEI

ClinVar aggregate classification (germline): Uncertain significance/Uncertain risk allele. Review status: criteria provided, multiple submitters, no conflicts (2 of 4 stars). 6 submissions from 6 submitters: Uncertain significance (5); Uncertain risk allele (1). Last evaluated 2026-01-27.

Conditions:
Autosomal dominant nonsyndromic hearing loss 6 (LFSNHL). Also called: Autosomal dominant nonsyndromic deafness 6; DEAFNESS, AUTOSOMAL DOMINANT 14; DEAFNESS, AUTOSOMAL DOMINANT 38; DEAFNESS, AUTOSOMAL DOMINANT 6. Identifiers: Orphanet 90635, MedGen C1833021, MONDO:0010963, OMIM 600965.
Type 2 diabetes mellitus. Also called: Type II diabetes mellitus. Identifiers: MedGen C0011860, MeSH D003924, MONDO:0005148, OMIM 125853, HP:0005978.
Cataract 41 (CTRCT41). Also called: CATARACT 41, CONGENITAL NUCLEAR TYPE. Identifiers: Orphanet 91492, Orphanet 98991, Orphanet 98992, Orphanet 98995, MedGen C3805412, MONDO:0007287, OMIM 116400.
Wolfram syndrome 1 (WFS1). Identifiers: Orphanet 3463, MedGen C4551693, MONDO:0009101, OMIM 222300.
Wolfram-like syndrome. Also called: HEARING LOSS, PROGRESSIVE, WITH OPTIC ATROPHY AND/OR IMPAIRED GLUCOSE REGULATION. Identifiers: Orphanet 411590, MedGen C3280358, MONDO:0013673, OMIM 614296.

Allele frequency attached by ClinVar (database versions not stated): ExAC 0.00002; gnomAD 0.00004; TOPMed 0.00008.
gnomAD v4.1: 60 of 1,612,788 alleles (0.0037%); highest among the groups gnomAD compares: Middle Eastern, 0.016%; no homozygotes.

Submissions (6):

Labcorp Genetics (formerly Invitae), Labcorp
Classification: Uncertain significance. Last evaluated: 2026-01-27. Review status: criteria provided, single submitter. Criteria: Invitae Variant Classification Sherloc (09022015). Collection method: clinical testing. Allele origin: germline.
Comment: This sequence change replaces isoleucine, which is neutral and non-polar, with leucine, which is neutral and non-polar, at codon 767 of the WFS1 protein (p.Ile767Leu). This variant is present in population databases (rs779199009, gnomAD 0.007%). This variant has not been reported in the literature in individuals affected with WFS1-related conditions. ClinVar contains an entry for this variant (Variation ID: 929934). Invitae Evidence Modeling of protein sequence and biophysical properties (such as structural, functional, and spatial information, amino acid conservation, physicochemical variation, residue mobility, and thermodynamic stability) indicates that this missense variant is not expected to disrupt WFS1 protein function with a negative predictive value of 95%. In summary, the available evidence is currently insufficient to determine the role of this variant in disease. Therefore, it has been classified as a Variant of Uncertain Significance.

Fulgent Genetics
Classification: Uncertain significance for Cataract 41; Type 2 diabetes mellitus; Wolfram syndrome 1; Autosomal dominant nonsyndromic hearing loss 6; Wolfram-like syndrome. Last evaluated: 2024-05-07. Review status: criteria provided, single submitter. Criteria: ACMG Guidelines, 2015. Collection method: clinical testing. Allele origin: germline.

Blueprint Genetics
Classification: Uncertain significance. Last evaluated: 2024-01-08. Review status: criteria provided, single submitter. Criteria: ACMG Guidelines, 2015. Collection method: clinical testing. Allele origin: germline.

GeneDx
Classification: Uncertain significance. Last evaluated: 2023-06-07. Review status: criteria provided, single submitter. Criteria: GeneDx Variant Classification Process June 2021. Collection method: clinical testing. Allele origin: germline. Affected: yes.
Comment: In silico analysis supports that this missense variant does not alter protein structure/function; Has not been previously published as pathogenic or benign to our knowledge

Laboratory for Molecular Medicine, Mass General Brigham Personalized Medicine
Classification: Uncertain significance. Last evaluated: 2019-06-07. Review status: criteria provided, single submitter. Criteria: LMM Criteria. Collection method: clinical testing. Allele origin: germline. Observed: 1 variant allele.
Comment: The p.Ile767Leu variant in WFS1 has not been previously reported in individuals with hearing loss, Wolfram syndrome, or Wolfram-like disorder, but has been identified in 0.007% (8/110278) of European chromosomes by gnomAD. Computational prediction tools and conservation analysis do not provide strong support for or against an impact to the protein. In summary, the clinical significance of this variant is uncertain. ACMG/AMP Criteria applied: none.

Clinical Genomics, Uppaluri K&H Personalized Medicine Clinic
Classification: Uncertain risk allele for Wolfram syndrome 1. Review status: criteria provided, single submitter. Criteria: K & H Uppaluri Personalized Medicine Clinic Variant Classification & Assertion Criteria_Updated V.1. Collection method: research. Allele origin: unknown. Inheritance: Autosomal recessive inheritance.
Comment: Potent mutations in WFS1 gene are associated with Wolfram's syndrome, an autosomal recessive condition, which cause diabetes mellitus, diabetes insipidus, deafness and optic atrophy.However no sufficient evidence is found to ascertain the role of this particular variant rs779199009 in Wolfram's syndrome yet.

Literature cited by the submitters: PubMed 20738327 (cited by Clinical Genomics, Uppaluri K&H Personalized Medicine Clinic); PubMed 33879153 (cited by Clinical Genomics, Uppaluri K&H Personalized Medicine Clinic); PubMed 12955714 (cited by Clinical Genomics, Uppaluri K&H Personalized Medicine Clinic); PubMed 18060660 (cited by Clinical Genomics, Uppaluri K&H Personalized Medicine Clinic); PubMed 20301750 (cited by Clinical Genomics, Uppaluri K&H Personalized Medicine Clinic); PubMed 17603484 (cited by Clinical Genomics, Uppaluri K&H Personalized Medicine Clinic).